The following is an entry in ClinVar:

ClinVar aggregate classification (germline): Uncertain significance. Review status: criteria provided, multiple submitters, no conflicts (2 of 4 stars). 2 submissions from 2 submitters: Uncertain significance (2). Last evaluated 2024-01-31.

Conditions:
Hereditary cancer-predisposing syndrome. Also called: Neoplastic Syndromes, Hereditary; Hereditary neoplastic syndrome; Hereditary Cancer Syndrome; Tumor predisposition. Identifiers: Orphanet 140162, MedGen C0027672, MeSH D009386, MONDO:0015356.
Gorlin syndrome. Also called: Nevoid Basal Cell Carcinoma Syndrome; Basal cell nevus syndrome. Identifiers: Orphanet 377, MedGen C0004779, MONDO:0007187.
Medulloblastoma (MDB). Also called: Medulloblastoma, somatic; MEDULLOBLASTOMA PREDISPOSITION SYNDROME. Identifiers: Orphanet 616, MedGen C0025149, MeSH D008527, MONDO:0007959, OMIM 155255, HP:0002885.

Allele frequency attached by ClinVar (database versions not stated): ExAC 0.00002.
gnomAD v4.1: 2 of 1,614,012 alleles (0.00012%); highest among the groups gnomAD compares: Non-Finnish European, 0.00017%; no homozygotes.

Submissions (2):

Ambry Genetics
Classification: Uncertain significance for Hereditary cancer-predisposing syndrome. Last evaluated: 2024-01-31. Review status: criteria provided, single submitter. Criteria: Ambry Variant Classification Scheme 2023. Collection method: clinical testing. Allele origin: germline.
Comment: The p.G39V variant (also known as c.116G>T), located in coding exon 1 of the SUFU gene, results from a G to T substitution at nucleotide position 116. The glycine at codon 39 is replaced by valine, an amino acid with dissimilar properties. This amino acid position is conserved. In addition, the in silico prediction for this alteration is inconclusive. Based on the available evidence, the clinical significance of this alteration remains unclear.

Labcorp Genetics (formerly Invitae), Labcorp
Classification: Uncertain significance for Gorlin syndrome; Medulloblastoma. Last evaluated: 2023-05-05. Review status: criteria provided, single submitter. Criteria: Invitae Variant Classification Sherloc (09022015). Collection method: clinical testing. Allele origin: germline.
Comment: In summary, the available evidence is currently insufficient to determine the role of this variant in disease. Therefore, it has been classified as a Variant of Uncertain Significance. Advanced modeling of protein sequence and biophysical properties (such as structural, functional, and spatial information, amino acid conservation, physicochemical variation, residue mobility, and thermodynamic stability) performed at Invitae indicates that this missense variant is not expected to disrupt SUFU protein function. ClinVar contains an entry for this variant (Variation ID: 1398981). This variant has not been reported in the literature in individuals affected with SUFU-related conditions. This variant is present in population databases (rs756123785, gnomAD 0.002%). This sequence change replaces glycine, which is neutral and non-polar, with valine, which is neutral and non-polar, at codon 39 of the SUFU protein (p.Gly39Val).

NM_016169.4(SUFU):c.116G>T (p.Gly39Val)

Gene: SUFU (SUFU negative regulator of hedgehog signaling; plus strand). Cytogenetic location: 10q24.32.
Variant type: single nucleotide variant.
Coding change: c.116G>T on transcript NM_016169.4 (MANE Select); coding-DNA position 116, G replaced by T.
Protein change: p.Gly39Val; replaces glycine 39 with valine.
Molecular consequence: missense variant.
Genome position (GRCh38, 1-based): chr10:102,504,268, G>T. VCF-style: chr10-102504268-G-T. GRCh37 (hg19) VCF-style: chr10-104264025-G-T.
Other names: c.116G>T, p.Gly39Val (NM_001178133.2); c.116G>T (NM_016169.3); short protein forms G39V.
Identifiers: ClinVar variation 1398981 (VCV001398981.9), dbSNP rs756123785, ClinGen allele CA5667595.